The following is an entry in ClinVar:

NM_004472.3(FOXD1):c.759C>G (p.Ala253=)

Gene: FOXD1 (forkhead box D1; minus strand). Cytogenetic location: 5q13.2.
Variant type: single nucleotide variant.
Coding change: c.759C>G on transcript NM_004472.3 (MANE Select); coding-DNA position 759, C replaced by G.
Protein change: p.Ala253=; no amino-acid change (alanine 253 retained).
Molecular consequence: synonymous variant.
Genome position (GRCh38, 1-based): chr5:73,447,604, G>C on the plus strand (C>G on the coding strand, the complement: FOXD1 is on the minus strand). VCF-style: chr5-73447604-G-C. GRCh37 (hg19) VCF-style: chr5-72743429-G-C.
Identifiers: ClinVar variation 3037053 (VCV003037053.2), dbSNP rs1195123271, ClinGen allele CA445096140.

ClinVar aggregate classification (germline): Likely benign (0 of 4 stars; one submission).

Conditions:
FOXD1-related disorder. Also called: FOXD1-related condition.

Allele frequency attached by ClinVar (database versions not stated): TOPMed 0.00001; gnomAD 0.00003; 1000 Genomes Project 30x 0.00031.

Submission:

PreventionGenetics, part of Exact Sciences
Classification: Likely benign for FOXD1-related condition. Last evaluated: 2021-08-30. Review status: no assertion criteria provided. Collection method: clinical testing. Allele origin: germline.
Comment: This variant is classified as likely benign based on ACMG/AMP sequence variant interpretation guidelines (Richards et al. 2015 PMID: 25741868, with internal and published modifications).